The following is an entry in ClinVar:

ClinVar aggregate classification (germline): Conflicting classifications of pathogenicity. Review status: criteria provided, conflicting classifications (1 of 4 stars). 2 submissions from 2 submitters: Uncertain significance (1); Likely benign (1). Last evaluated 2026-04-14.

Conditions:
NBAS-related disorder. Also called: NBAS-related condition.

Allele frequency attached by ClinVar (database versions not stated): ESP Exome Variant Server 0.00008.
gnomAD v4.1: 15 of 1,614,134 alleles (0.00093%); highest among the groups gnomAD compares: African/African-American, 0.0053%; no homozygotes.

Submissions (2):

PreventionGenetics, part of Exact Sciences
Classification: Uncertain significance for NBAS-related condition. Last evaluated: 2026-04-14. Review status: criteria provided, single submitter. Criteria: ACMG Guidelines, 2015. Collection method: clinical testing. Allele origin: germline.
Comment: The NBAS c.6382G>A variant is predicted to result in the amino acid substitution p.Val2128Met. To our knowledge, this variant has not been reported in the literature. This variant is reported in 0.018% of alleles in individuals of African descent in gnomAD. At this time, the clinical significance of this variant is uncertain due to the absence of conclusive functional and genetic evidence.

Labcorp Genetics (formerly Invitae), Labcorp
Classification: Likely benign. Last evaluated: 2025-12-03. Review status: criteria provided, single submitter. Criteria: Invitae Variant Classification Sherloc (09022015). Collection method: clinical testing. Allele origin: germline.

NM_015909.4(NBAS):c.6382G>A (p.Val2128Met)

Gene: NBAS (NBAS subunit of NRZ tethering complex; minus strand). Cytogenetic location: 2p24.3.
Variant type: single nucleotide variant.
Coding change: c.6382G>A on transcript NM_015909.4 (MANE Select); coding-DNA position 6382, G replaced by A.
Protein change: p.Val2128Met; replaces valine 2128 with methionine.
Molecular consequence: missense variant.
Genome position (GRCh38, 1-based): chr2:15,218,823, C>T on the plus strand (G>A on the coding strand, the complement: NBAS is on the minus strand). VCF-style: chr2-15218823-C-T. GRCh37 (hg19) VCF-style: chr2-15358947-C-T.
Other names: c.6382G>A (NM_015909.3); short protein forms V2128M.
Identifiers: ClinVar variation 1945236 (VCV001945236.6), dbSNP rs375991089, ClinGen allele CA1535023.